The following is an entry in ClinVar:

GRCh37/hg19 3p26.1(chr3:4669445-4859925)x1

Genes: EGOT (eosinophil granule ontogeny transcript; minus strand), ITPR1 (inositol 1,4,5-trisphosphate receptor type 1; plus strand). Cytogenetic location: 3p26.1.
Variant type: copy number loss.
Change: copy number 1 (one copy instead of two) of chr3:4,669,445-4,859,925 (190.5 kb, GRCh37 coordinates, 1-based), cytogenetic band 3p26.1.
Identifiers: ClinVar variation 3338447 (VCV003338447.1).

ClinVar aggregate classification (germline): Likely pathogenic (0 of 4 stars; one submission).

Conditions:
Spinocerebellar ataxia type 15/16 (SCA15). Also called: Spinocerebellar Ataxia Type 15. Identifiers: Orphanet 98769, MedGen C1847725, MONDO:0011694, OMIM 606658.

Submission:

Solve-RD Consortium
Classification: Likely pathogenic for Spinocerebellar ataxia type 15/16. Last evaluated: 2024-06-01. Review status: no assertion criteria provided. Collection method: provider interpretation. Allele origin: germline. Affected: yes.
Comment: This CNV was confirmed by the submitting clinician to impact a gene that corresponds with the phenotype of the affected individual, and thus deemed to be causative for their condition.

Literature cited by the submitters: PubMed 39825153.